The following is an entry in ClinVar:

ClinVar aggregate classification (germline): Conflicting classifications of pathogenicity. Review status: criteria provided, conflicting classifications (1 of 4 stars). 2 submissions from 2 submitters: Likely pathogenic (1); Uncertain significance (1). Last evaluated 2024-09-27.

Conditions:
CHARGE syndrome (CHARGE). Also called: Hittner Hirsch Kreh syndrome; CHARGE ASSOCIATION--COLOBOMA, HEART ANOMALY, CHOANAL ATRESIA, RETARDATION, GENITAL AND EAR ANOMALIES; Coloboma, heart anomaly, choanal atresia, retardation, genital and ear anomalies; CHARGE association; Hall-Hittner syndrome. Identifiers: Orphanet 138, MedGen C0265354, MONDO:0008965.

Submissions (2):

Labcorp Genetics (formerly Invitae), Labcorp
Classification: Uncertain significance for CHARGE syndrome. Last evaluated: 2024-09-27. Review status: criteria provided, single submitter. Criteria: Invitae Variant Classification Sherloc (09022015). Collection method: clinical testing. Allele origin: germline.
Comment: This sequence change replaces leucine, which is neutral and non-polar, with histidine, which is basic and polar, at codon 1363 of the CHD7 protein (p.Leu1363His). This variant is not present in population databases (gnomAD no frequency). This variant has not been reported in the literature in individuals affected with CHD7-related conditions. ClinVar contains an entry for this variant (Variation ID: 423118). Invitae Evidence Modeling of protein sequence and biophysical properties (such as structural, functional, and spatial information, amino acid conservation, physicochemical variation, residue mobility, and thermodynamic stability) indicates that this missense variant is expected to disrupt CHD7 protein function with a positive predictive value of 95%. In summary, the available evidence is currently insufficient to determine the role of this variant in disease. Therefore, it has been classified as a Variant of Uncertain Significance.

GeneDx
Classification: Likely pathogenic. Last evaluated: 2017-03-10. Review status: criteria provided, single submitter. Criteria: GeneDx Variant Classification (06012015). Collection method: clinical testing. Allele origin: germline. Affected: yes.
Comment: The L1363H missense substitution has not been published as a pathogenic variant nor has it been reported as a benign variant to our knowledge. It was not observed in approximately 6,200 individuals of European and African American ancestry in the NHLBI Exome Sequencing Project, indicating it is not a common benign variant in these populations. L1363H is a non-conservative amino acid substitution, which is likely to impact secondary protein structure as these residues differ in polarity, charge, size and/or other properties. This substitution occurs at a position that is conserved across species and in silico analysis predicts this variant is probably damaging to the protein structure/function. However, no missense variants in nearby residues have been reported in the Human Gene Mutation Database (Stenson et al., 2014). Additionally, few pathogenic missense variants have been reported in CHARGE syndrome, as most pathogenic variants introduce a premature termination codon.

NM_017780.4(CHD7):c.4088T>A (p.Leu1363His)

Gene: CHD7 (chromodomain helicase DNA binding protein 7; plus strand). Cytogenetic location: 8q12.2.
Variant type: single nucleotide variant.
Coding change: c.4088T>A on transcript NM_017780.4 (MANE Select); coding-DNA position 4088, T replaced by A.
Protein change: p.Leu1363His; replaces leucine 1363 with histidine.
Molecular consequence: missense variant. On other transcripts: intron variant (1).
Genome position (GRCh38, 1-based): chr8:60,836,915, T>A. VCF-style: chr8-60836915-T-A. GRCh37 (hg19) VCF-style: chr8-61749474-T-A.
Other names: c.4088T>A (LRG_176t1); c.1717-25314T>A (NM_001316690.1); short protein forms L1363H.
Identifiers: ClinVar variation 423118 (VCV000423118.4), dbSNP rs1064796242, ClinGen allele CA16618668.
Genomic context (GRCh38, chr8:60,836,915, plus strand): 5'-ACCTCCGCCAGGCAGCTATCGACAGATTCTCCAAACCTGATTCTGATAGGTTTGTTTTCC[T>A]CCTGTGTACAAGGGCAGGAGGTTTAGGCATTAACCTCACTGCTGCTGATACCTGCATCAT-3'
Protein context (NP_060250.2, residues 1353-1373): SKPDSDRFVF[Leu1363His]LCTRAGGLGI